The following is an entry in ClinVar:

ClinVar aggregate classification (germline): Uncertain significance (1 of 4 stars; one submission).

Conditions:
Primary ciliary dyskinesia. Also called: Ciliary dyskinesia. Identifiers: Orphanet 244, MedGen C0008780, MONDO:0016575, HP:0012265.

Allele frequency attached by ClinVar (database versions not stated): TOPMed below 0.00001; gnomAD exomes 0.00001.
gnomAD v4.1: 8 of 1,611,040 alleles (0.0005%); highest among the groups gnomAD compares: Non-Finnish European, 0.00068%; no homozygotes.

Submission:

Labcorp Genetics (formerly Invitae), Labcorp
Classification: Uncertain significance for Primary ciliary dyskinesia. Last evaluated: 2022-01-12. Review status: criteria provided, single submitter. Criteria: Invitae Variant Classification Sherloc (09022015). Collection method: clinical testing. Allele origin: germline.
Comment: In summary, the available evidence is currently insufficient to determine the role of this variant in disease. Therefore, it has been classified as a Variant of Uncertain Significance. Algorithms developed to predict the effect of missense changes on protein structure and function (SIFT, PolyPhen-2, Align-GVGD) all suggest that this variant is likely to be tolerated. This variant has not been reported in the literature in individuals affected with DRC1-related conditions. This variant is not present in population databases (gnomAD no frequency). This sequence change replaces asparagine, which is neutral and polar, with isoleucine, which is neutral and non-polar, at codon 548 of the DRC1 protein (p.Asn548Ile).

NM_145038.5(DRC1):c.1643A>T (p.Asn548Ile)

Gene: DRC1 (dynein regulatory complex subunit 1; plus strand). Cytogenetic location: 2p23.3.
Variant type: single nucleotide variant.
Coding change: c.1643A>T on transcript NM_145038.5 (MANE Select); coding-DNA position 1643, A replaced by T.
Protein change: p.Asn548Ile; replaces asparagine 548 with isoleucine.
Molecular consequence: missense variant.
Genome position (GRCh38, 1-based): chr2:26,450,635, A>T. VCF-style: chr2-26450635-A-T. GRCh37 (hg19) VCF-style: chr2-26673503-A-T.
Other names: short protein forms N548I.
Identifiers: ClinVar variation 2080837 (VCV002080837.4), dbSNP rs1257446687, ClinGen allele CA346116751.